The following is an entry in ClinVar:

NM_000548.5(TSC2):c.4318C>A (p.Gln1440Lys)

Gene: TSC2 (TSC complex subunit 2; plus strand). Cytogenetic location: 16p13.3.
Variant type: single nucleotide variant.
Coding change: c.4318C>A on transcript NM_000548.5 (MANE Select); coding-DNA position 4318, C replaced by A.
Protein change: p.Gln1440Lys; replaces glutamine 1440 with lysine.
Molecular consequence: missense variant. On other transcripts: non-coding transcript variant (5).
Genome position (GRCh38, 1-based): chr16:2,084,540, C>A. VCF-style: chr16-2084540-C-A. GRCh37 (hg19) VCF-style: chr16-2134541-C-A.
Other names: c.4117C>A, p.Gln1373Lys (NM_001077183.3); c.4249C>A, p.Gln1417Lys (NM_001114382.3); c.4009C>A, p.Gln1337Lys (NM_001318827.2); c.3973C>A, p.Gln1325Lys (NM_001318829.2); c.3586C>A, p.Gln1196Lys (NM_001318831.2); c.4150C>A, p.Gln1384Lys (NM_001318832.2); c.4120C>A, p.Gln1374Lys (NM_001363528.2); c.4186C>A, p.Gln1396Lys (NM_001370404.1); and 26 more; short protein forms Q1173K, Q1174K, Q1196K, Q1216K, Q1217K, Q1220K, Q1240K, Q1324K.
Identifiers: ClinVar variation 3232167 (VCV003232167.1), dbSNP rs45517337, ClinGen allele CA394301309.

ClinVar aggregate classification (germline): Uncertain significance (1 of 4 stars; one submission).

Conditions:
Hereditary cancer-predisposing syndrome. Also called: Neoplastic Syndromes, Hereditary; Tumor predisposition; Hereditary neoplastic syndrome; Hereditary Cancer Syndrome. Identifiers: Orphanet 140162, MedGen C0027672, MeSH D009386, MONDO:0015356.

Submission:

Ambry Genetics
Classification: Uncertain significance for Hereditary cancer-predisposing syndrome. Last evaluated: 2023-12-07. Review status: criteria provided, single submitter. Criteria: Ambry Variant Classification Scheme 2023. Collection method: clinical testing. Allele origin: germline.
Comment: The p.Q1440K variant (also known as c.4318C>A), located in coding exon 33 of the TSC2 gene, results from a C to A substitution at nucleotide position 4318. The glutamine at codon 1440 is replaced by lysine, an amino acid with similar properties. This amino acid position is conserved. In addition, the in silico prediction for this alteration is inconclusive. Since supporting evidence is limited at this time, the clinical significance of this alteration remains unclear.